The following is an entry in ClinVar:

NM_000038.6(APC):c.388dup (p.Ser130fs)

Gene: APC (APC regulator of Wnt signaling pathway; plus strand). Cytogenetic location: 5q22.2.
Variant type: Duplication.
Coding change: c.388dup on transcript NM_000038.6 (MANE Select); coding-DNA position 388, one base duplicated (A; older notation c.388dupA).
Protein change: p.Ser130fs; shifts the reading frame from serine 130.
Molecular consequence: frameshift variant. On other transcripts: 5 prime UTR variant (4), non-coding transcript variant (2).
Genome position (GRCh38, 1-based): chr5:112,767,356, A duplicated; the last of 3 consecutive A bases (chr5:112,767,354-112,767,356); duplicating any one gives the same sequence. VCF-style (leftmost placement, unchanged base first): chr5-112767353-G-GA. GRCh37 (hg19) VCF-style: chr5-112103050-G-GA.
Other names: c.388dup, p.Ser130fs (NM_001127510.3, NM_001354895.2, NM_001354896.2 and 16 more transcripts); c.418dup, p.Ser140fs (NM_001127511.3, NM_001354897.2, NM_001354902.2 and 1 more transcripts); c.313dup, p.Ser105fs (NM_001354898.2, NM_001354904.2, NM_001407451.1); c.211dup, p.Ser71fs (NM_001354900.2, NM_001354901.2, NM_001354905.2 and 1 more transcripts); c.-648dup (NM_001354906.2, NM_001407470.1, NM_001407471.1 and 1 more transcripts); c.388dup (NM_000038.5); short protein forms S140fs, S105fs, S130fs, S71fs.
Identifiers: ClinVar variation 3658063 (VCV003658063.3).

ClinVar aggregate classification (germline): Pathogenic/Likely pathogenic. Review status: criteria provided, multiple submitters, no conflicts (2 of 4 stars). 2 submissions from 2 submitters: Pathogenic (1); Likely pathogenic (1). Last evaluated 2025-09-08.

Conditions:
Familial adenomatous polyposis 1 (FAP1). Also called: FAMILIAL ADENOMATOUS POLYPOSIS 1, ATTENUATED; POLYPOSIS, ADENOMATOUS INTESTINAL. Identifiers: MedGen C2713442, MONDO:0021056, OMIM 175100. Disease mechanism: loss of function.

Submissions (2):

Quest Diagnostics Nichols Institute San Juan Capistrano
Classification: Likely pathogenic. Last evaluated: 2025-09-08. Review status: criteria provided, single submitter. Criteria: Quest Diagnostics criteria. Collection method: clinical testing. Allele origin: unknown.
Comment: The APC c.388dup (p.Ser130Lysfs*9) variant alters the translational reading frame of the APC mRNA and is predicted to cause the premature termination of APC protein synthesis. This variant has not been reported in individuals with APC-related conditions in the published literature. This variant has not been reported in large, multi-ethnic general populations (Genome Aggregation Database). Based on the available information, this variant is classified as likely pathogenic.

Labcorp Genetics (formerly Invitae), Labcorp
Classification: Pathogenic for Familial adenomatous polyposis 1. Last evaluated: 2024-06-28. Review status: criteria provided, single submitter. Criteria: Invitae Variant Classification Sherloc (09022015). Collection method: clinical testing. Allele origin: germline.
Comment: This sequence change creates a premature translational stop signal (p.Ser130Lysfs*9) in the APC gene. It is expected to result in an absent or disrupted protein product. Loss-of-function variants in APC are known to be pathogenic (PMID: 17963004, 20685668). This variant is not present in population databases (gnomAD no frequency). This variant has not been reported in the literature in individuals affected with APC-related conditions. For these reasons, this variant has been classified as Pathogenic.

Literature cited by the submitters: PubMed 17963004 (cited by Labcorp Genetics (formerly Invitae), Labcorp); PubMed 20685668 (cited by Labcorp Genetics (formerly Invitae), Labcorp).